The following is an entry in ClinVar:

ClinVar aggregate classification (germline): Likely benign. Review status: criteria provided, multiple submitters, no conflicts (2 of 4 stars). 2 submissions from 2 submitters: Likely benign (2). Last evaluated 2024-01-04.

Conditions:
Dilated cardiomyopathy 1G (CMD1G). Identifiers: Orphanet 154, MedGen C1858763, MONDO:0011400, OMIM 604145.
Autosomal recessive limb-girdle muscular dystrophy type 2J (LGMDR10). Also called: MUSCULAR DYSTROPHY, LIMB-GIRDLE, AUTOSOMAL RECESSIVE 10; Limb-girdle muscular dystrophy, type 2J. Identifiers: Orphanet 140922, MedGen C1837342, MONDO:0012127, OMIM 608807.

Allele frequency attached by ClinVar (database versions not stated): gnomAD exomes 0.00001.
gnomAD v4.1: 3 of 1,542,530 alleles (0.00019%); highest among the groups gnomAD compares: Non-Finnish European, 0.00026%; no homozygotes.

Submissions (2):

Labcorp Genetics (formerly Invitae), Labcorp
Classification: Likely benign for Dilated cardiomyopathy 1G; Autosomal recessive limb-girdle muscular dystrophy type 2J. Last evaluated: 2024-01-04. Review status: criteria provided, single submitter. Criteria: Invitae Variant Classification Sherloc (09022015). Collection method: clinical testing. Allele origin: germline.

GeneDx
Classification: Likely benign. Last evaluated: 2016-07-25. Review status: criteria provided, single submitter. Criteria: GeneDx Variant Classification (06012015). Collection method: clinical testing. Allele origin: germline. Affected: yes.
Comment: This variant is considered likely benign or benign based on one or more of the following criteria: it is a conservative change, it occurs at a poorly conserved position in the protein, it is predicted to be benign by multiple in silico algorithms, and/or has population frequency not consistent with disease.

NM_001267550.2(TTN):c.39710-15C>T

Gene: TTN (titin; minus strand). Cytogenetic location: 2q31.2.
Variant type: single nucleotide variant.
Coding change: c.39710-15C>T on transcript NM_001267550.2 (MANE Select); 15 bases into the intron before coding-DNA position 39710, C replaced by T.
Molecular consequence: intron variant.
Genome position (GRCh38, 1-based): chr2:178,650,286, G>A on the plus strand (C>T on the coding strand, the complement: TTN is on the minus strand). VCF-style: chr2-178650286-G-A. GRCh37 (hg19) VCF-style: chr2-179515013-G-A.
Other names: c.13283-7969C>T (NM_003319.4); c.13859-7969C>T (NM_133437.4); c.13658-7969C>T (NM_133432.3); c.32408-15C>T (NM_133378.4); c.35189-15C>T (NM_001256850.1).
Identifiers: ClinVar variation 388073 (VCV000388073.4), dbSNP rs1057522986, ClinGen allele CA16603925.